The following is an entry in ClinVar:

ClinVar aggregate classification (germline): Pathogenic. Review status: criteria provided, multiple submitters, no conflicts (2 of 4 stars). 2 submissions from 2 submitters: Pathogenic (2). Last evaluated 2024-08-06.

Conditions:
UROD-related disorder. Also called: UROD-related disorders; UROD-related condition.

Submissions (2):

Labcorp Genetics (formerly Invitae), Labcorp
Classification: Pathogenic. Last evaluated: 2024-08-06. Review status: criteria provided, single submitter. Criteria: Invitae Variant Classification Sherloc (09022015). Collection method: clinical testing. Allele origin: germline.
Comment: This sequence change creates a premature translational stop signal (p.Arg292Glyfs*8) in the UROD gene. It is expected to result in an absent or disrupted protein product. Loss-of-function variants in UROD are known to be pathogenic (PMID: 1634232, 17240319, 19233912, 19419417, 23545314). This variant is not present in population databases (gnomAD no frequency). This premature translational stop signal has been observed in individual(s) with porphyria cutanea tarda (PMID: 8896428; Invitae). This variant is also known as C deletion at 890. For these reasons, this variant has been classified as Pathogenic.

Blueprint Genetics
Classification: Pathogenic for UROD-related disorders. Last evaluated: 2021-07-27. Review status: criteria provided, single submitter. Criteria: ACMG Guidelines, 2015. Collection method: clinical testing. Allele origin: germline. Affected: yes. Observed: 1 variant allele.

Literature cited by the submitters: PubMed 1634232 (cited by Labcorp Genetics (formerly Invitae), Labcorp); PubMed 17240319 (cited by Labcorp Genetics (formerly Invitae), Labcorp); PubMed 19233912 (cited by Labcorp Genetics (formerly Invitae), Labcorp); PubMed 19419417 (cited by Labcorp Genetics (formerly Invitae), Labcorp); PubMed 23545314 (cited by Labcorp Genetics (formerly Invitae), Labcorp); PubMed 8896428 (cited by Labcorp Genetics (formerly Invitae), Labcorp).

NM_000374.5(UROD):c.874del (p.Arg292fs)

Gene: UROD (uroporphyrinogen decarboxylase; plus strand). Cytogenetic location: 1p34.1.
Variant type: Deletion.
Coding change: c.874del on transcript NM_000374.5 (MANE Select); coding-DNA position 874, one base deleted (C; older notation c.874delC).
Protein change: p.Arg292fs; shifts the reading frame from arginine 292.
Molecular consequence: frameshift variant. On other transcripts: non-coding transcript variant (3).
Genome position (GRCh38, 1-based): chr1:45,014,835, C deleted; the last of 3 consecutive C bases (chr1:45,014,833-45,014,835); deleting any one gives the same sequence. VCF-style (leftmost placement, unchanged base first): chr1-45014832-GC-G. GRCh37 (hg19) VCF-style: chr1-45480504-GC-G.
Other names: short protein forms R292fs.
Identifiers: ClinVar variation 2733891 (VCV002733891.4), dbSNP rs1644835894, ClinGen allele CA2473585629.